The following is an entry in ClinVar:

ClinVar aggregate classification (germline): Uncertain significance. Review status: criteria provided, multiple submitters, no conflicts (2 of 4 stars). 4 submissions from 4 submitters: Uncertain significance (4). Last evaluated 2025-09-03.

Conditions:
Inborn genetic diseases. Identifiers: MedGen C0950123, MeSH D030342.
Malignant hyperthermia, susceptibility to, 5 (MHS5). Also called: CACNA1S-Related Malignant Hyperthermia Susceptibility. Identifiers: Orphanet 423, MedGen C1866077, MONDO:0011163, OMIM 601887.
Hypokalemic periodic paralysis, type 1. Also called: Hypokalemic Periodic Paralysis Type 1 (AD); HypoPP. Identifiers: Orphanet 681, MedGen C3714580, MONDO:0042979, OMIM 170400.

Allele frequency attached by ClinVar (database versions not stated): gnomAD exomes 0.00003.
gnomAD v4.1: 43 of 1,613,938 alleles (0.0027%); highest among the groups gnomAD compares: Non-Finnish European, 0.0036%; no homozygotes.

Submissions (4):

Labcorp Genetics (formerly Invitae), Labcorp
Classification: Uncertain significance for Hypokalemic periodic paralysis, type 1; Malignant hyperthermia, susceptibility to, 5. Last evaluated: 2025-09-03. Review status: criteria provided, single submitter. Criteria: Invitae Variant Classification Sherloc (09022015). Collection method: clinical testing. Allele origin: germline.
Comment: This sequence change replaces aspartic acid, which is acidic and polar, with asparagine, which is neutral and polar, at codon 734 of the CACNA1S protein (p.Asp734Asn). This variant is not present in population databases (gnomAD no frequency). This variant has not been reported in the literature in individuals affected with CACNA1S-related conditions. ClinVar contains an entry for this variant (Variation ID: 2271640). Invitae Evidence Modeling of protein sequence and biophysical properties (such as structural, functional, and spatial information, amino acid conservation, physicochemical variation, residue mobility, and thermodynamic stability) indicates that this missense variant is not expected to disrupt CACNA1S protein function with a negative predictive value of 95%. In summary, the available evidence is currently insufficient to determine the role of this variant in disease. Therefore, it has been classified as a Variant of Uncertain Significance.

All of Us Research Program, National Institutes of Health
Classification: Uncertain significance for Malignant hyperthermia, susceptibility to, 5. Last evaluated: 2023-12-18. Review status: criteria provided, single submitter. Criteria: ACMG Guidelines, 2015. Collection method: clinical testing. Allele origin: germline. Inheritance: Autosomal dominant inheritance. Observed: 1 variant allele, 1 heterozygote.
Comment: This missense variant replaces aspartic acid with asparagine at codon 734 of the CACNA1S protein. Computational prediction suggests that this variant may not impact protein structure and function (internally defined REVEL score threshold <= 0.5, PMID: 27666373). To our knowledge, functional studies have not been reported for this variant. This variant has not been reported in individuals affected with CACNA1S-related disorders in the literature. This variant has not been identified in the general population by the Genome Aggregation Database (gnomAD). The available evidence is insufficient to determine the role of this variant in disease conclusively. Therefore, this variant is classified as a Variant of Uncertain Significance.

This study involves interpretation of variants in research participants for the purpose of population health screening. Participant phenotype was not available at the time of variant classification. Additional details can be found in publication PMID: 35346344, PMCID: PMC8962531

Color Diagnostics, LLC DBA Color Health
Classification: Uncertain significance for Malignant hyperthermia, susceptibility to, 5. Last evaluated: 2023-11-22. Review status: criteria provided, single submitter. Criteria: ACMG Guidelines, 2015. Collection method: clinical testing. Allele origin: germline.
Comment: This missense variant replaces aspartic acid with asparagine at codon 734 of the CACNA1S protein. Computational prediction suggests that this variant may not impact protein structure and function. To our knowledge, functional studies have not been reported for this variant. This variant has not been reported in individuals affected with CACNA1S-related disorders in the literature. This variant has not been identified in the general population by the Genome Aggregation Database (gnomAD). The available evidence is insufficient to determine the role of this variant in disease conclusively. Therefore, this variant is classified as a Variant of Uncertain Significance.

Ambry Genetics
Classification: Uncertain significance for Inborn genetic diseases. Last evaluated: 2022-01-18. Review status: criteria provided, single submitter. Criteria: Ambry Variant Classification Scheme 2023. Collection method: clinical testing. Allele origin: germline.

NM_000069.3(CACNA1S):c.2200G>A (p.Asp734Asn)

Gene: CACNA1S (calcium voltage-gated channel subunit alpha1 S; minus strand). Cytogenetic location: 1q32.1.
Variant type: single nucleotide variant.
Coding change: c.2200G>A on transcript NM_000069.3 (MANE Select); coding-DNA position 2200, G replaced by A.
Protein change: p.Asp734Asn; replaces aspartic acid 734 with asparagine.
Molecular consequence: missense variant.
Genome position (GRCh38, 1-based): chr1:201,072,782, C>T on the plus strand (G>A on the coding strand, the complement: CACNA1S is on the minus strand). VCF-style: chr1-201072782-C-T. GRCh37 (hg19) VCF-style: chr1-201041910-C-T.
Other names: short protein forms D734N.
Identifiers: ClinVar variation 2271640 (VCV002271640.5), dbSNP rs2464546942, ClinGen allele CA10957226.
Genomic context (GRCh38, chr1:201,072,782, plus strand): 5'-ACCCTGCTCCAGTCCAGTCTCCAGCATCCTCACCTGGGAAGTCGGCTGAGGGGTAGGGAT[C>T]CTTCACCTCATTGACATTAGATTCAAACTCATCGATTTTCAGCTGTAGGAAGGAACACAA-3'
Protein context (NP_000060.2, residues 724-744): EFESNVNEVK[Asp734Asn]PYPSADFPGD